The following is an entry in ClinVar:

ClinVar aggregate classification (germline): Uncertain significance (1 of 4 stars; one submission).

Conditions:
Autoimmune lymphoproliferative syndrome type 2A (ALPS2A). Also called: CASP10-Related Autoimmune Lymphoproliferative Syndrome; AUTOIMMUNE LYMPHOPROLIFERATIVE SYNDROME, TYPE IIA; Autoimmune lymphoproliferative syndrome type 2. Identifiers: Orphanet 3261, MedGen C1858968, MONDO:0011383, OMIM 603909.

gnomAD v4.1: 5 of 1,614,118 alleles (0.00031%); highest among the groups gnomAD compares: Non-Finnish European, 0.00042%; no homozygotes.

Submission:

Labcorp Genetics (formerly Invitae), Labcorp
Classification: Uncertain significance for Autoimmune lymphoproliferative syndrome type 2A. Last evaluated: 2025-02-04. Review status: criteria provided, single submitter. Criteria: Invitae Variant Classification Sherloc (09022015). Collection method: clinical testing. Allele origin: germline.
Comment: This sequence change replaces cysteine, which is neutral and slightly polar, with tyrosine, which is neutral and polar, at codon 386 of the CASP10 protein (p.Cys386Tyr). This variant is present in population databases (rs779317878, gnomAD 0.0009%). This variant has not been reported in the literature in individuals affected with CASP10-related conditions. Invitae Evidence Modeling of protein sequence and biophysical properties (such as structural, functional, and spatial information, amino acid conservation, physicochemical variation, residue mobility, and thermodynamic stability) indicates that this missense variant is expected to disrupt CASP10 protein function with a positive predictive value of 80%. In summary, the available evidence is currently insufficient to determine the role of this variant in disease. Therefore, it has been classified as a Variant of Uncertain Significance.

NM_032977.4(CASP10):c.1157G>A (p.Cys386Tyr)

Gene: CASP10 (caspase 10; plus strand). Cytogenetic location: 2q33.1.
Variant type: single nucleotide variant.
Coding change: c.1157G>A on transcript NM_032977.4 (MANE Select); coding-DNA position 1157, G replaced by A.
Protein change: p.Cys386Tyr; replaces cysteine 386 with tyrosine.
Molecular consequence: missense variant. On other transcripts: 3 prime UTR variant (1).
Genome position (GRCh38, 1-based): chr2:201,209,304, G>A. VCF-style: chr2-201209304-G-A. GRCh37 (hg19) VCF-style: chr2-202074027-G-A.
Other names: c.956G>A, p.Cys319Tyr (NM_001206524.2); c.1028G>A, p.Cys343Tyr (NM_001206542.2, NM_001230.5); c.1157G>A, p.Cys386Tyr (NM_032974.5); c.*243G>A (NM_032976.4); short protein forms C343Y, C386Y, C319Y.
Identifiers: ClinVar variation 4792190 (VCV004792190.1).
Genomic context (GRCh38, chr2:201,209,304, plus strand): 5'-CTTCGGATGAGGCCCTCATTCCCATTCGGGAGATCATGTCTCACTTCACAGCCCTGCAGT[G>A]CCCTAGACTGGCTGAAAAACCTAAACTCTTTTTCATCCAGGCCTGCCAAGGTGAAGAGAT-3'
Protein context (NP_116759.2, residues 376-396): EIMSHFTALQ[Cys386Tyr]PRLAEKPKLF